The following is an entry in ClinVar:

NM_001481.3(DRC4):c.1244G>A (p.Ser415Asn)

Gene: DRC4 (dynein regulatory complex subunit 4; plus strand). Cytogenetic location: 16q24.3.
Variant type: single nucleotide variant.
Coding change: c.1244G>A on transcript NM_001481.3 (MANE Select); coding-DNA position 1244, G replaced by A.
Protein change: p.Ser415Asn; replaces serine 415 with asparagine.
Molecular consequence: missense variant.
Genome position (GRCh38, 1-based): chr16:90,042,492, G>A. VCF-style: chr16-90042492-G-A. GRCh37 (hg19) VCF-style: chr16-90108900-G-A.
Other names: c.995G>A, p.Ser332Asn (NM_001286205.2); c.668G>A, p.Ser223Asn (NM_001286208.2); c.1169G>A, p.Ser390Asn (NM_001286209.2); short protein forms S223N, S390N, S332N, S415N.
Identifiers: ClinVar variation 2043064 (VCV002043064.2), dbSNP rs756288864, ClinGen allele CA8258185.

ClinVar aggregate classification (germline): Uncertain significance (1 of 4 stars; one submission).

Conditions:
Primary ciliary dyskinesia 33. Also called: CILIARY DYSKINESIA, PRIMARY, 33, WITHOUT SITUS INVERSUS. Identifiers: Orphanet 244, MedGen C4225230, MONDO:0014750, OMIM 616726.

Allele frequency attached by ClinVar (database versions not stated): gnomAD 0.00007; TOPMed 0.00007.
gnomAD v4.1: 31 of 1,613,718 alleles (0.0019%); highest among the groups gnomAD compares: Admixed American, 0.033%; no homozygotes.

Submission:

Labcorp Genetics (formerly Invitae), Labcorp
Classification: Uncertain significance for Primary ciliary dyskinesia 33. Last evaluated: 2024-12-26. Review status: criteria provided, single submitter. Criteria: Invitae Variant Classification Sherloc (09022015). Collection method: clinical testing. Allele origin: germline.
Comment: This sequence change replaces serine, which is neutral and polar, with asparagine, which is neutral and polar, at codon 415 of the GAS8 protein (p.Ser415Asn). This variant is present in population databases (rs756288864, gnomAD 0.02%). This variant has not been reported in the literature in individuals affected with GAS8-related conditions. ClinVar contains an entry for this variant (Variation ID: 2043064). Invitae Evidence Modeling of protein sequence and biophysical properties (such as structural, functional, and spatial information, amino acid conservation, physicochemical variation, residue mobility, and thermodynamic stability) indicates that this missense variant is not expected to disrupt GAS8 protein function with a negative predictive value of 80%. In summary, the available evidence is currently insufficient to determine the role of this variant in disease. Therefore, it has been classified as a Variant of Uncertain Significance.